The following is an entry in ClinVar:

ClinVar aggregate classification (germline): Uncertain significance (1 of 4 stars; one submission).

Conditions:
Neurodevelopmental disorder with or without hyperkinetic movements and seizures, autosomal dominant. Also called: Intellectual disability, autosomal dominant 8. Identifiers: MedGen C3280282, MONDO:0013655, OMIM 614254.

Submission:

Labcorp Genetics (formerly Invitae), Labcorp
Classification: Uncertain significance for Neurodevelopmental disorder with or without hyperkinetic movements and seizures, autosomal dominant. Last evaluated: 2025-07-08. Review status: criteria provided, single submitter. Criteria: Invitae Variant Classification Sherloc (09022015). Collection method: clinical testing. Allele origin: germline.
Comment: This sequence change replaces proline, which is neutral and non-polar, with leucine, which is neutral and non-polar, at codon 305 of the GRIN1 protein (p.Pro305Leu). This variant is not present in population databases (gnomAD no frequency). This variant has not been reported in the literature in individuals affected with GRIN1-related conditions. Invitae Evidence Modeling of protein sequence and biophysical properties (such as structural, functional, and spatial information, amino acid conservation, physicochemical variation, residue mobility, and thermodynamic stability) has been performed for this missense variant. However, the output from this modeling did not meet the statistical confidence thresholds required to predict the impact of this variant on GRIN1 protein function. In summary, the available evidence is currently insufficient to determine the role of this variant in disease. Therefore, it has been classified as a Variant of Uncertain Significance.

NM_007327.4(GRIN1):c.914C>T (p.Pro305Leu)

Gene: GRIN1 (glutamate ionotropic receptor NMDA type subunit 1; plus strand). Cytogenetic location: 9q34.3.
Variant type: single nucleotide variant.
Coding change: c.914C>T on transcript NM_007327.4 (MANE Select); coding-DNA position 914, C replaced by T.
Protein change: p.Pro305Leu; replaces proline 305 with leucine.
Molecular consequence: missense variant.
Genome position (GRCh38, 1-based): chr9:137,156,983, C>T. VCF-style: chr9-137156983-C-T. GRCh37 (hg19) VCF-style: chr9-140051435-C-T.
Other names: c.914C>T, p.Pro305Leu (NM_000832.7, NM_021569.4); c.977C>T, p.Pro326Leu (NM_001185090.2, NM_001185091.2, NM_001437330.1 and 1 more transcripts); short protein forms P305L, P326L.
Identifiers: ClinVar variation 4747297 (VCV004747297.1).
Genomic context (GRCh38, chr9:137,156,983, plus strand): 5'-TGGGCGTGGTGGCCCAGGCCGTGCACGAGCTCCTCGAGAAGGAGAACATCACCGACCCGC[C>T]GCGGGGCTGCGTGGGCAACACCAACATCTGGAAGACCGGGCCGCTCTTCAAGAGGTGGGC-3'
Protein context (NP_015566.1, residues 295-315): LLEKENITDP[Pro305Leu]RGCVGNTNIW